The following is an entry in ClinVar:

NM_000081.4(LYST):c.7168C>G (p.Gln2390Glu)

Gene: LYST (lysosomal trafficking regulator; minus strand). Cytogenetic location: 1q42.3.
Variant type: single nucleotide variant.
Coding change: c.7168C>G on transcript NM_000081.4 (MANE Select); coding-DNA position 7168, C replaced by G.
Protein change: p.Gln2390Glu; replaces glutamine 2390 with glutamic acid.
Molecular consequence: missense variant.
Genome position (GRCh38, 1-based): chr1:235,755,539, G>C on the plus strand (C>G on the coding strand, the complement: LYST is on the minus strand). VCF-style: chr1-235755539-G-C. GRCh37 (hg19) VCF-style: chr1-235918839-G-C.
Other names: c.7168C>G, p.Gln2390Glu (NM_001301365.1); short protein forms Q2390E.
Identifiers: ClinVar variation 2228577 (VCV002228577.2), dbSNP rs2527761127, ClinGen allele CA344934519.

ClinVar aggregate classification (germline): Uncertain significance (1 of 4 stars; one submission).

Conditions:
Inborn genetic diseases. Identifiers: MedGen C0950123, MeSH D030342.

Submission:

Ambry Genetics
Classification: Uncertain significance for Inborn genetic diseases. Last evaluated: 2020-12-19. Review status: criteria provided, single submitter. Criteria: Ambry Variant Classification Scheme 2023. Collection method: clinical testing. Allele origin: germline.
Comment: The c.7168C>G (p.Q2390E) alteration is located in exon 25 (coding exon 23) of the LYST gene. This alteration results from a C to G substitution at nucleotide position 7168, causing the glutamine (Q) at amino acid position 2390 to be replaced by a glutamic acid (E). The p.Q2390E alteration is predicted to be tolerated by in silico analysis. Based on insufficient or conflicting evidence, the clinical significance of this alteration remains unclear.